The following is an entry in ClinVar:

NM_000130.5(F5):c.3962T>C (p.Ile1321Thr)

Gene: F5 (coagulation factor V; minus strand). Cytogenetic location: 1q24.2.
Variant type: single nucleotide variant.
Coding change: c.3962T>C on transcript NM_000130.5 (MANE Select); coding-DNA position 3962, T replaced by C.
Protein change: p.Ile1321Thr; replaces isoleucine 1321 with threonine.
Molecular consequence: missense variant.
Genome position (GRCh38, 1-based): chr1:169,541,128, A>G on the plus strand (T>C on the coding strand, the complement: F5 is on the minus strand). VCF-style: chr1-169541128-A-G. GRCh37 (hg19) VCF-style: chr1-169510366-A-G.
Other names: short protein forms I1321T.
Identifiers: ClinVar variation 4763043 (VCV004763043.1).
Genomic context (GRCh38, chr1:169,541,128, plus strand): 5'-GGAGAGAGGTTTGTCTGGCTGAAGTCTAGAGAAAGGGTTGTATGGCTGAGGTCTGGAGAA[A>G]TGGGCATCTGACCGAGGGCTGGGGAAAGGTTTGTCTGACTGAGTTCTGGAGAGAGAGTCA-3'
Protein context (NP_000121.2, residues 1311-1331): NLSPALGQMP[Ile1321Thr]SPDLSHTTLS

ClinVar aggregate classification (germline): Uncertain significance (1 of 4 stars; one submission).

Conditions:
Congenital factor V deficiency. Also called: Hereditary factor V deficiency disease; LABILE FACTOR DEFICIENCY; OWREN PARAHEMOPHILIA; PARAHEMOPHILIA. Identifiers: Orphanet 326, MedGen C0015499, MONDO:0009210, OMIM 227400.

Submission:

Labcorp Genetics (formerly Invitae), Labcorp
Classification: Uncertain significance for Congenital factor V deficiency. Last evaluated: 2025-03-18. Review status: criteria provided, single submitter. Criteria: Invitae Variant Classification Sherloc (09022015). Collection method: clinical testing. Allele origin: germline.
Comment: This sequence change replaces isoleucine, which is neutral and non-polar, with threonine, which is neutral and polar, at codon 1321 of the F5 protein (p.Ile1321Thr). This variant is not present in population databases (gnomAD no frequency). This variant has not been reported in the literature in individuals affected with F5-related conditions. Invitae Evidence Modeling of protein sequence and biophysical properties (such as structural, functional, and spatial information, amino acid conservation, physicochemical variation, residue mobility, and thermodynamic stability) indicates that this missense variant is not expected to disrupt F5 protein function with a negative predictive value of 80%. In summary, the available evidence is currently insufficient to determine the role of this variant in disease. Therefore, it has been classified as a Variant of Uncertain Significance.